The following is an entry in ClinVar:

ClinVar aggregate classification (germline): Benign (1 of 4 stars; one submission).

Allele frequency attached by ClinVar (database versions not stated): 1000 Genomes Project 0.02077; 1000 Genomes Project 30x 0.02186; TOPMed 0.02813; gnomAD 0.03361 and 0.03433.
gnomAD v4.1: 5,122 of 152,200 alleles (3.4%); highest among the groups gnomAD compares: Middle Eastern, 5.4%; 126 homozygotes.

Submission:

GeneDx
Classification: Benign. Last evaluated: 2018-06-19. Review status: criteria provided, single submitter. Criteria: GeneDx Variant Classification (06012015). Collection method: clinical testing. Allele origin: germline. Affected: yes.
Comment: This variant is considered likely benign or benign based on one or more of the following criteria: it is a conservative change, it occurs at a poorly conserved position in the protein, it is predicted to be benign by multiple in silico algorithms, and/or has population frequency not consistent with disease.

NM_001134363.3(RBM20):c.1528-205A>G

Gene: RBM20 (RNA binding motif protein 20; plus strand). Cytogenetic location: 10q25.2.
Variant type: single nucleotide variant.
Coding change: c.1528-205A>G on transcript NM_001134363.3 (MANE Select); 205 bases into the intron before coding-DNA position 1528, A replaced by G.
Molecular consequence: intron variant.
Genome position (GRCh38, 1-based): chr10:110,797,303, A>G. VCF-style: chr10-110797303-A-G. GRCh37 (hg19) VCF-style: chr10-112557061-A-G.
Identifiers: ClinVar variation 674652 (VCV000674652.1), dbSNP rs74788397, ClinGen allele CA213244737.